The following is an entry in ClinVar:

ClinVar aggregate classification (germline): Uncertain significance (1 of 4 stars; one submission).

Conditions:
Juvenile polyposis syndrome (JPS). Identifiers: Orphanet 2929, MedGen C0345893, MONDO:0017380, OMIM 174900.

Submission:

Labcorp Genetics (formerly Invitae), Labcorp
Classification: Uncertain significance for Juvenile polyposis syndrome. Last evaluated: 2024-01-06. Review status: criteria provided, single submitter. Criteria: Invitae Variant Classification Sherloc (09022015). Collection method: clinical testing. Allele origin: germline.
Comment: This sequence change replaces arginine, which is basic and polar, with glutamine, which is neutral and polar, at codon 445 of the SMAD4 protein (p.Arg445Gln). This variant is not present in population databases (gnomAD no frequency). This variant has not been reported in the literature in individuals affected with SMAD4-related conditions. Advanced modeling of protein sequence and biophysical properties (such as structural, functional, and spatial information, amino acid conservation, physicochemical variation, residue mobility, and thermodynamic stability) has been performed at Invitae for this missense variant, however the output from this modeling did not meet the statistical confidence thresholds required to predict the impact of this variant on SMAD4 protein function. In summary, the available evidence is currently insufficient to determine the role of this variant in disease. Therefore, it has been classified as a Variant of Uncertain Significance.

NM_005359.6(SMAD4):c.1334G>A (p.Arg445Gln)

Gene: SMAD4 (SMAD family member 4; plus strand). Cytogenetic location: 18q21.2.
Variant type: single nucleotide variant.
Coding change: c.1334G>A on transcript NM_005359.6 (MANE Select); coding-DNA position 1334, G replaced by A.
Protein change: p.Arg445Gln; replaces arginine 445 with glutamine.
Molecular consequence: missense variant. On other transcripts: non-coding transcript variant (1).
Genome position (GRCh38, 1-based): chr18:51,076,663, G>A. VCF-style: chr18-51076663-G-A. GRCh37 (hg19) VCF-style: chr18-48603033-G-A.
Other names: c.1334G>A, p.Arg445Gln (NM_001407041.1, NM_001407042.1); short protein forms R445Q.
Identifiers: ClinVar variation 2995871 (VCV002995871.3), dbSNP rs2144473638, ClinGen allele CA402465157.